The following is an entry in ClinVar:

ClinVar aggregate classification (germline): Benign (1 of 4 stars; one submission).

Conditions:
Charcot-Marie-Tooth disease type 4H (CMT4H). Also called: CHARCOT-MARIE-TOOTH DISEASE, AUTOSOMAL RECESSIVE, TYPE 4H; CHARCOT-MARIE-TOOTH DISEASE, DEMYELINATING, AUTOSOMAL RECESSIVE, TYPE 4H; CHARCOT-MARIE-TOOTH NEUROPATHY, TYPE 4H; CHARCOT-MARIE-TOOTH DISEASE, DEMYELINATING, TYPE 4H. Identifiers: Orphanet 99954, MedGen C1836336, MONDO:0012250, OMIM 609311.

Allele frequency attached by ClinVar (database versions not stated): gnomAD 0.00003 and 0.00068; TOPMed 0.00012; 1000 Genomes Project 30x 0.00562; 1000 Genomes Project 0.00579.

Submission:

Illumina Laboratory Services, Illumina
Classification: Benign for Charcot-Marie-Tooth disease type 4H. Last evaluated: 2018-01-12. Review status: criteria provided, single submitter. Criteria: ICSL Variant Classification Criteria 13 December 2019. Collection method: clinical testing. Allele origin: germline.
Comment: This variant was observed in the ICSL laboratory as part of a predisposition screen in an ostensibly healthy population. It had not been previously curated by ICSL or reported in the Human Gene Mutation Database (HGMD: prior to June 1st, 2018), and was therefore a candidate for classification through an automated scoring system. Utilizing variant allele frequency, disease prevalence and penetrance estimates, and inheritance mode, an automated score was calculated to assess if this variant is too frequent to cause the disease. Based on the score and internal cut-off values, a variant classified as benign is not then subjected to further curation. The score for this variant resulted in a classification of benign for this disease.

NM_001370298.3(FGD4):c.*4988G>A

Gene: FGD4 (FYVE, RhoGEF and PH domain containing 4; plus strand). Cytogenetic location: 12p11.21.
Variant type: single nucleotide variant.
Coding change: c.*4988G>A on transcript NM_001370298.3 (MANE Select); 4988 bases downstream of the stop codon, G replaced by A.
Molecular consequence: 3 prime UTR variant.
Genome position (GRCh38, 1-based): chr12:32,645,521, G>A. VCF-style: chr12-32645521-G-A. GRCh37 (hg19) VCF-style: chr12-32798455-G-A.
Other names: c.*4988G>A (NM_001304481.2, NM_001304484.2, NM_001330373.2 and 5 more transcripts); c.*896G>A (NM_001384126.1, NM_001384127.1, NM_001384128.1).
Identifiers: ClinVar variation 883913 (VCV000883913.4), dbSNP rs540366205, ClinGen allele CA235251945.